The following is an entry in ClinVar:

ClinVar aggregate classification (germline): Conflicting classifications of pathogenicity. Review status: criteria provided, conflicting classifications (1 of 4 stars). 6 submissions from 6 submitters: Pathogenic (2); Likely pathogenic (2); Uncertain significance (2). Last evaluated 2025-11-10.

Conditions:
Cardiovascular phenotype. Identifiers: MedGen CN230736.
Hereditary cancer-predisposing syndrome. Also called: Neoplastic Syndromes, Hereditary; Hereditary neoplastic syndrome; Hereditary Cancer Syndrome; Tumor predisposition. Identifiers: Orphanet 140162, MedGen C0027672, MeSH D009386, MONDO:0015356.
Neurofibromatosis, type 1 (NF1). Also called: VON RECKLINGHAUSEN DISEASE; NEUROFIBROMATOSIS, TYPE I, SOMATIC; Peripheral type neurofibromatosis; Neurofibromatosis, type I. Identifiers: Orphanet 636, MedGen C0027831, MONDO:0018975, OMIM 162200. Disease mechanism: loss of function.

Allele frequency attached by ClinVar (database versions not stated): gnomAD exomes below 0.00001.
gnomAD v4.1: 1 of 1,611,882 alleles (0.000062%); highest among the groups gnomAD compares: Non-Finnish European, 0.000085%; no homozygotes.

Submissions (6):

Labcorp Genetics (formerly Invitae), Labcorp
Classification: Pathogenic for Neurofibromatosis, type 1. Last evaluated: 2025-11-10. Review status: criteria provided, single submitter. Criteria: Invitae Variant Classification Sherloc (09022015). Collection method: clinical testing. Allele origin: germline.
Comment: This sequence change replaces leucine, which is neutral and non-polar, with proline, which is neutral and non-polar, at codon 972 of the NF1 protein (p.Leu972Pro). This variant is not present in population databases (gnomAD no frequency). This missense change has been observed in individual(s) with clinical features of neurofibromatosis type 1 (PMID: 31766501; internal data). Invitae Evidence Modeling of clinical and family history, age, sex, and reported ancestry of multiple individuals with this NF1 variant has been performed. This variant is expected to be pathogenic with a positive predictive value of at least 99%. This is a validated machine learning model that incorporates the clinical features of 1,785,918 individuals referred to our laboratory for NF1 testing. ClinVar contains an entry for this variant (Variation ID: 656765). Invitae Evidence Modeling of protein sequence and biophysical properties (such as structural, functional, and spatial information, amino acid conservation, physicochemical variation, residue mobility, and thermodynamic stability) indicates that this missense variant is expected to disrupt NF1 protein function with a positive predictive value of 95%. For these reasons, this variant has been classified as Pathogenic.

Genomic Medicine Center of Excellence, King Faisal Specialist Hospital and Research Centre
Classification: Pathogenic for Neurofibromatosis, type 1. Last evaluated: 2025-09-10. Review status: criteria provided, single submitter. Criteria: ACMG Guidelines, 2015. Collection method: clinical testing. Allele origin: germline.

GeneDx
Classification: Likely pathogenic. Last evaluated: 2024-09-30. Review status: criteria provided, single submitter. Criteria: GeneDx Variant Classification Process June 2021. Collection method: clinical testing. Allele origin: germline. Affected: yes.
Comment: Not observed at significant frequency in large population cohorts (gnomAD); In silico analysis supports that this missense variant has a deleterious effect on protein structure/function; This variant is associated with the following publications: (PMID: 26214590, 25486365, 2121369, 31766501, 32575496)

KCCC/NGS Laboratory, Kuwait Cancer Control Center
Classification: Likely pathogenic for Neurofibromatosis, type 1. Last evaluated: 2023-12-11. Review status: criteria provided, single submitter. Criteria: ACMG Guidelines, 2015. Collection method: clinical testing. Allele origin: germline. Inheritance: Autosomal dominant inheritance. Affected: yes. Observed: 1 heterozygote.
Comment: This sequence change replaces leucine, which is neutral and non-polar, with proline, which is neutral and non-polar, at codon 972 of the NF1 protein (p.Leu972Pro). This variant is not present in population databases (gnomAD no frequency). This missense change has been observed in individual(s) with neurofibromatosis type 1 (PMID: 31766501). ClinVar contains an entry for this variant (Variation ID: 656765). In-silico prediction show this variantt to have deleterious effect on the protein. In summary, the currently available evidence indicates that the variant is pathogenic, but additional data are needed to prove that conclusively. Therefore, this variant has been classified as Likely Pathogenic.

Genome-Nilou Lab
Classification: Uncertain significance for Neurofibromatosis, type 1. Last evaluated: 2022-03-15. Review status: criteria provided, single submitter. Criteria: ACMG Guidelines, 2015. Collection method: clinical testing. Allele origin: germline. Affected: no.

Ambry Genetics
Classification: Uncertain significance for Cardiovascular phenotype; Hereditary cancer-predisposing syndrome. Last evaluated: 2019-09-04. Review status: criteria provided, single submitter. Criteria: Ambry Variant Classification Scheme 2023. Collection method: clinical testing. Allele origin: germline.
Comment: The p.L972P variant (also known as c.2915T>C), located in coding exon 22 of the NF1 gene, results from a T to C substitution at nucleotide position 2915. The leucine at codon 972 is replaced by proline, an amino acid with similar properties. This amino acid position is highly conserved in available vertebrate species. In addition, this alteration is predicted to be deleterious by in silico analysis. Since supporting evidence is limited at this time, the clinical significance of this alteration remains unclear.

Literature cited by the submitters: PubMed 31766501 (cited by Labcorp Genetics (formerly Invitae), Labcorp).

NM_001042492.3(NF1):c.2915T>C (p.Leu972Pro)

Gene: NF1 (neurofibromin 1; plus strand). Cytogenetic location: 17q11.2.
Variant type: single nucleotide variant.
Coding change: c.2915T>C on transcript NM_001042492.3 (MANE Select); coding-DNA position 2915, T replaced by C.
Protein change: p.Leu972Pro; replaces leucine 972 with proline.
Molecular consequence: missense variant.
Genome position (GRCh38, 1-based): chr17:31,229,899, T>C. VCF-style: chr17-31229899-T-C. GRCh37 (hg19) VCF-style: chr17-29556917-T-C.
Other names: c.2915T>C, p.Leu972Pro (NM_000267.4); short protein forms L972P.
Identifiers: ClinVar variation 656765 (VCV000656765.15), dbSNP rs1597716348, ClinGen allele CA398986182.